The following is an entry in ClinVar:

NM_138711.6(PPARG):c.735C>T (p.Phe245=)

Gene: PPARG (peroxisome proliferator activated receptor gamma; plus strand). Cytogenetic location: 3p25.2.
Variant type: single nucleotide variant.
Coding change: c.735C>T on transcript NM_138711.6 (MANE Select); coding-DNA position 735, C replaced by T.
Protein change: p.Phe245=; no amino-acid change (phenylalanine 245 retained).
Molecular consequence: synonymous variant. On other transcripts: intron variant (5).
Genome position (GRCh38, 1-based): chr3:12,416,709, C>T. VCF-style: chr3-12416709-C-T. GRCh37 (hg19) VCF-style: chr3-12458208-C-T.
Other names: c.735C>T, p.Phe245= (NM_001354666.3, NM_001354667.3, NM_001374263.2 and 3 more transcripts); c.108C>T, p.Phe36= (NM_001354669.2); c.825C>T, p.Phe275= (NM_015869.5); c.729+10628C>T (NM_001374261.3, NM_001374262.3, NM_001330615.4); c.653+10710C>T (NM_001374266.1); c.819+10628C>T (NM_001374265.1).
Identifiers: ClinVar variation 3351301 (VCV003351301.1).

ClinVar aggregate classification (germline): Likely benign (0 of 4 stars; one submission).

Conditions:
PPARG-related disorder. Also called: PPARG-related disorders; PPARG-related condition.

gnomAD v4.1: 3 of 1,613,242 alleles (0.00019%); highest among the groups gnomAD compares: African/African-American, 0.0013%; no homozygotes.

Submission:

PreventionGenetics, part of Exact Sciences
Classification: Likely benign for PPARG-related condition. Last evaluated: 2022-11-16. Review status: no assertion criteria provided. Collection method: clinical testing. Allele origin: germline.
Comment: This variant is classified as likely benign based on ACMG/AMP sequence variant interpretation guidelines (Richards et al. 2015 PMID: 25741868, with internal and published modifications).